The following is an entry in ClinVar:

ClinVar aggregate classification (germline): Uncertain significance (1 of 4 stars; one submission).

Submission:

Labcorp Genetics (formerly Invitae), Labcorp
Classification: Uncertain significance. Last evaluated: 2025-05-15. Review status: criteria provided, single submitter. Criteria: Invitae Variant Classification Sherloc (09022015). Collection method: clinical testing. Allele origin: germline.
Comment: This sequence change replaces alanine, which is neutral and non-polar, with glycine, which is neutral and non-polar, at codon 491 of the SLC1A3 protein (p.Ala491Gly). This variant is not present in population databases (gnomAD no frequency). This variant has not been reported in the literature in individuals affected with SLC1A3-related conditions. Invitae Evidence Modeling of protein sequence and biophysical properties (such as structural, functional, and spatial information, amino acid conservation, physicochemical variation, residue mobility, and thermodynamic stability) indicates that this missense variant is not expected to disrupt SLC1A3 protein function with a negative predictive value of 80%. In summary, the available evidence is currently insufficient to determine the role of this variant in disease. Therefore, it has been classified as a Variant of Uncertain Significance.

NM_004172.5(SLC1A3):c.1472C>G (p.Ala491Gly)

Genes: SLC1A3 (solute carrier family 1 member 3; plus strand), SLC1A3-AS1 (SLC1A3 antisense RNA 1; minus strand). Cytogenetic location: 5p13.2.
Variant type: single nucleotide variant.
Coding change: c.1472C>G on transcript NM_004172.5 (MANE Select); coding-DNA position 1472, C replaced by G.
Protein change: p.Ala491Gly; replaces alanine 491 with glycine.
Molecular consequence: missense variant.
Genome position (GRCh38, 1-based): chr5:36,686,112, C>G. VCF-style: chr5-36686112-C-G. GRCh37 (hg19) VCF-style: chr5-36686214-C-G.
Other names: c.1337C>G, p.Ala446Gly (NM_001166695.3, NM_001438459.1); c.1334C>G, p.Ala445Gly (NM_001289939.2); c.1136C>G, p.Ala379Gly (NM_001289940.2); c.1472C>G, p.Ala491Gly (NM_001438454.1, NM_001438455.1, NM_001438456.1 and 1 more transcripts); c.1613C>G, p.Ala538Gly (NM_001438458.1); c.1190C>G, p.Ala397Gly (NM_001438460.1); c.1172C>G, p.Ala391Gly (NM_001438461.1); c.1151C>G, p.Ala384Gly (NM_001438462.1); short protein forms A491G, A379G, A397G, A445G, A446G, A384G, A391G, A538G.
Identifiers: ClinVar variation 4741811 (VCV004741811.1).
Genomic context (GRCh38, chr5:36,686,112, plus strand): 5'-ACCCTGCCTGCAGGGATCGCCTCCGGACCACCACCAACGTACTGGGAGACTCCCTGGGAG[C>G]TGGGATTGTGGAGCACTTGTCACGACATGAACTGAAGAACAGAGATGTTGAAATGGGTAA-3'
Protein context (NP_004163.3, residues 481-501): TTNVLGDSLG[Ala491Gly]GIVEHLSRHE